The following is an entry in ClinVar:

NM_006204.4(PDE6C):c.2036+3A>G

Gene: PDE6C (phosphodiesterase 6C; plus strand). Cytogenetic location: 10q23.33.
Variant type: single nucleotide variant.
Coding change: c.2036+3A>G on transcript NM_006204.4 (MANE Select); 3 bases into the intron after coding-DNA position 2036, A replaced by G.
Molecular consequence: intron variant.
Genome position (GRCh38, 1-based): chr10:93,655,863, A>G. VCF-style: chr10-93655863-A-G. GRCh37 (hg19) VCF-style: chr10-95415620-A-G.
Identifiers: ClinVar variation 2106808 (VCV002106808.4), dbSNP rs2492557234, ClinGen allele CA2580082484.
Genomic context (GRCh38, chr10:93,655,863, plus strand): 5'-CAGTTATTCATTTGTTCGAGGTCGCAATAATAGCAACTGACCTGGCTTTATATTTCAAGT[A>G]AGTACATAACTCTGCACAGTGGAATGCCCTATACTCTGTGTGGTTTTACCTTCCATAAAT-3'

ClinVar aggregate classification (germline): Uncertain significance (1 of 4 stars; one submission).

Submission:

Labcorp Genetics (formerly Invitae), Labcorp
Classification: Uncertain significance. Last evaluated: 2022-03-14. Review status: criteria provided, single submitter. Criteria: Invitae Variant Classification Sherloc (09022015). Collection method: clinical testing. Allele origin: germline.
Comment: In summary, the available evidence is currently insufficient to determine the role of this variant in disease. Therefore, it has been classified as a Variant of Uncertain Significance. Variants that disrupt the consensus splice site are a relatively common cause of aberrant splicing (PMID: 17576681, 9536098). Algorithms developed to predict the effect of sequence changes on RNA splicing suggest that this variant is not likely to affect RNA splicing. This variant has not been reported in the literature in individuals affected with PDE6C-related conditions. This variant is not present in population databases (gnomAD no frequency). This sequence change falls in intron 16 of the PDE6C gene. It does not directly change the encoded amino acid sequence of the PDE6C protein. It affects a nucleotide within the consensus splice site.

Literature cited by the submitters: PubMed 17576681; PubMed 9536098.